The following is an entry in ClinVar:

NM_006208.3(ENPP1):c.*1038T>A

Gene: ENPP1 (ectonucleotide pyrophosphatase/phosphodiesterase 1; plus strand). Cytogenetic location: 6q23.2.
Variant type: single nucleotide variant.
Coding change: c.*1038T>A on transcript NM_006208.3 (MANE Select); 1038 bases downstream of the stop codon, T replaced by A.
Molecular consequence: 3 prime UTR variant.
Genome position (GRCh38, 1-based): chr6:131,891,549, T>A. VCF-style: chr6-131891549-T-A. GRCh37 (hg19) VCF-style: chr6-132212689-T-A.
Identifiers: ClinVar variation 355376 (VCV000355376.5), dbSNP rs79214335, ClinGen allele CA10625954.
Genomic context (GRCh38, chr6:131,891,549, plus strand): 5'-TCTTGGTGGACATGATAAATGACACAATGAACTTGATTTCTTTACTACCTTGACTGTAGC[T>A]TTTTATCCCTACCTGTGAACCTTCAAAGACTGCATTAACTTTTAGGCTACATAGGTCCAA-3'

ClinVar aggregate classification (germline): Likely benign. Review status: criteria provided, single submitter (1 of 4 stars). 2 submissions from 1 submitter: Likely benign (2). Last evaluated 2018-01-12.

Conditions:
Arterial calcification, generalized, of infancy, 1 (GACI1). Also called: Idiopathic Infantile Arterial Calcification. Identifiers: Orphanet 51608, MedGen C4551985, MONDO:0008817, OMIM 208000.
Hypophosphatemic rickets, autosomal recessive, 2 (ARHR2). Identifiers: Orphanet 289176, MedGen C2750078, MONDO:0013219, OMIM 613312.

Allele frequency attached by ClinVar (database versions not stated): 1000 Genomes Project 30x 0.00437; 1000 Genomes Project 0.00439; gnomAD 0.00460 and 0.00496; TOPMed 0.00515.

Submissions (2):

Illumina Laboratory Services, Illumina
Classification: Likely benign for Arterial calcification, generalized, of infancy, 1. Last evaluated: 2018-01-12. Review status: criteria provided, single submitter. Criteria: ICSL Variant Classification Criteria 13 December 2019. Collection method: clinical testing. Allele origin: germline.
Comment: This variant was observed in the ICSL laboratory as part of a predisposition screen in an ostensibly healthy population. It had not been previously curated by ICSL or reported in the Human Gene Mutation Database (HGMD: prior to June 1st, 2018), and was therefore a candidate for classification through an automated scoring system. Utilizing variant allele frequency, disease prevalence and penetrance estimates, and inheritance mode, an automated score was calculated to assess if this variant is too frequent to cause the disease. Based on the score and internal cut-off values, a variant classified as likely benign is not then subjected to further curation. The score for this variant resulted in a classification of likely benign for this disease.

Illumina Laboratory Services, Illumina
Classification: Likely benign for Hypophosphatemic rickets, autosomal recessive, 2. Last evaluated: 2018-01-12. Review status: criteria provided, single submitter. Criteria: ICSL Variant Classification Criteria 13 December 2019. Collection method: clinical testing. Allele origin: germline.
Comment: the same text as in the submission from Illumina Laboratory Services, Illumina above.